The following is an entry in ClinVar:

ClinVar aggregate classification (germline): Uncertain significance (1 of 4 stars; one submission).

Submission:

Labcorp Genetics (formerly Invitae), Labcorp
Classification: Uncertain significance. Last evaluated: 2025-02-26. Review status: criteria provided, single submitter. Criteria: Invitae Variant Classification Sherloc (09022015). Collection method: clinical testing. Allele origin: germline.
Comment: This sequence change replaces isoleucine, which is neutral and non-polar, with valine, which is neutral and non-polar, at codon 133 of the KCNH1 protein (p.Ile133Val). This variant is not present in population databases (gnomAD no frequency). This variant has not been reported in the literature in individuals affected with KCNH1-related conditions. Invitae Evidence Modeling of protein sequence and biophysical properties (such as structural, functional, and spatial information, amino acid conservation, physicochemical variation, residue mobility, and thermodynamic stability) has been performed for this missense variant. However, the output from this modeling did not meet the statistical confidence thresholds required to predict the impact of this variant on KCNH1 protein function. In summary, the available evidence is currently insufficient to determine the role of this variant in disease. Therefore, it has been classified as a Variant of Uncertain Significance.

NM_172362.3(KCNH1):c.397A>G (p.Ile133Val)

Gene: KCNH1 (potassium voltage-gated channel subfamily H member 1; minus strand). Cytogenetic location: 1q32.2.
Variant type: single nucleotide variant.
Coding change: c.397A>G on transcript NM_172362.3 (MANE Select); coding-DNA position 397, A replaced by G.
Protein change: p.Ile133Val; replaces isoleucine 133 with valine.
Molecular consequence: missense variant.
Genome position (GRCh38, 1-based): chr1:211,090,604, T>C on the plus strand (A>G on the coding strand, the complement: KCNH1 is on the minus strand). VCF-style: chr1-211090604-T-C. GRCh37 (hg19) VCF-style: chr1-211263946-T-C.
Other names: c.397A>G, p.Ile133Val (NM_002238.4); short protein forms I133V.
Identifiers: ClinVar variation 4811352 (VCV004811352.1).